The following is an entry in ClinVar:

NM_022436.3(ABCG5):c.1514C>A (p.Ala505Asp)

Genes: DYNC2LI1 (dynein cytoplasmic 2 light intermediate chain 1; plus strand), ABCG5 (ATP binding cassette subfamily G member 5; minus strand). Cytogenetic location: 2p21.
Variant type: single nucleotide variant.
Coding change: c.1514C>A on transcript NM_022436.3 (MANE Select); coding-DNA position 1514, C replaced by A.
Protein change: p.Ala505Asp; replaces alanine 505 with aspartic acid.
Molecular consequence: missense variant. On other transcripts: intron variant (2).
Genome position (GRCh38, 1-based): chr2:43,820,050, G>T on the plus strand (C>A on the coding strand, the complement: ABCG5 is on the minus strand). VCF-style: chr2-43820050-G-T. GRCh37 (hg19) VCF-style: chr2-44047189-G-T.
Other names: c.*16-7336G>T (NM_001348913.2, NM_001348912.2); short protein forms A505D.
Identifiers: ClinVar variation 1774278 (VCV001774278.6), dbSNP rs761800517, ClinGen allele CA46455032.

ClinVar aggregate classification (germline): Uncertain significance. Review status: criteria provided, multiple submitters, no conflicts (2 of 4 stars). 2 submissions from 2 submitters: Uncertain significance (2). Last evaluated 2024-02-06.

Conditions:
Sitosterolemia (STSL). Also called: PHYTOSTEROLEMIA. Identifiers: Orphanet 2882, MedGen C0342907, MONDO:0008863.
Cardiovascular phenotype. Identifiers: MedGen CN230736.

Allele frequency attached by ClinVar (database versions not stated): TOPMed below 0.00001.

Submissions (2):

Ambry Genetics
Classification: Uncertain significance for Cardiovascular phenotype. Last evaluated: 2024-02-06. Review status: criteria provided, single submitter. Criteria: Ambry Variant Classification Scheme 2023. Collection method: clinical testing. Allele origin: germline.
Comment: The p.A505D variant (also known as c.1514C>A), located in coding exon 11 of the ABCG5 gene, results from a C to A substitution at nucleotide position 1514. The alanine at codon 505 is replaced by aspartic acid, an amino acid with dissimilar properties. This amino acid position is conserved. In addition, the in silico prediction for this alteration is inconclusive. Since supporting evidence is limited at this time, the clinical significance of this alteration remains unclear.

Labcorp Genetics (formerly Invitae), Labcorp
Classification: Uncertain significance for Sitosterolemia. Last evaluated: 2022-04-30. Review status: criteria provided, single submitter. Criteria: Invitae Variant Classification Sherloc (09022015). Collection method: clinical testing. Allele origin: germline.
Comment: In summary, the available evidence is currently insufficient to determine the role of this variant in disease. Therefore, it has been classified as a Variant of Uncertain Significance. Algorithms developed to predict the effect of missense changes on protein structure and function (SIFT, PolyPhen-2, Align-GVGD) all suggest that this variant is likely to be disruptive. This variant has not been reported in the literature in individuals affected with ABCG5-related conditions. This variant is not present in population databases (gnomAD no frequency). This sequence change replaces alanine, which is neutral and non-polar, with aspartic acid, which is acidic and polar, at codon 505 of the ABCG5 protein (p.Ala505Asp).